The following is an entry in ClinVar:

ClinVar aggregate classification (germline): Uncertain significance (1 of 4 stars; one submission).

Conditions:
Benign neonatal seizures. Also called: Benign familial neonatal seizures; Benign familial neonatal epilepsy; Convulsions benign familial neonatal dominant form; Autosomal dominant form of benign neonatal seizures; Benign neonatal familial convulsions. Identifiers: Orphanet 1949, MedGen C0220669, MONDO:0016027.

Allele frequency attached by ClinVar (database versions not stated): gnomAD exomes below 0.00001 and 0.00001; ExAC 0.00001.
gnomAD v4.1: 3 of 1,611,794 alleles (0.00019%); highest among the groups gnomAD compares: East Asian, 0.0045%; no homozygotes.

Submission:

Labcorp Genetics (formerly Invitae), Labcorp
Classification: Uncertain significance for Benign neonatal seizures. Last evaluated: 2020-03-04. Review status: criteria provided, single submitter. Criteria: Invitae Variant Classification Sherloc (09022015). Collection method: clinical testing. Allele origin: germline.
Comment: In summary, the available evidence is currently insufficient to determine the role of this variant in disease. Therefore, it has been classified as a Variant of Uncertain Significance. Algorithms developed to predict the effect of missense changes on protein structure and function (SIFT, PolyPhen-2, Align-GVGD) all suggest that this variant is likely to be tolerated, but these predictions have not been confirmed by published functional studies and their clinical significance is uncertain. This variant has not been reported in the literature in individuals with KCNQ3-related conditions. This variant is present in population databases (rs761196608, ExAC 0.01%). This sequence change replaces alanine with threonine at codon 382 of the KCNQ3 protein (p.Ala382Thr). The alanine residue is highly conserved and there is a small physicochemical difference between alanine and threonine.

NM_004519.4(KCNQ3):c.1144G>A (p.Ala382Thr)

Gene: KCNQ3 (potassium voltage-gated channel subfamily Q member 3; minus strand). Cytogenetic location: 8q24.22.
Variant type: single nucleotide variant.
Coding change: c.1144G>A on transcript NM_004519.4 (MANE Select); coding-DNA position 1144, G replaced by A.
Protein change: p.Ala382Thr; replaces alanine 382 with threonine.
Molecular consequence: missense variant.
Genome position (GRCh38, 1-based): chr8:132,170,425, C>T on the plus strand (G>A on the coding strand, the complement: KCNQ3 is on the minus strand). VCF-style: chr8-132170425-C-T. GRCh37 (hg19) VCF-style: chr8-133182672-C-T.
Other names: c.784G>A, p.Ala262Thr (NM_001204824.2); short protein forms A262T, A382T.
Identifiers: ClinVar variation 1058084 (VCV001058084.9), dbSNP rs761196608, ClinGen allele CA4880762.